The following is an entry in ClinVar:

ClinVar aggregate classification (germline): Uncertain significance (1 of 4 stars; one submission).

Conditions:
Mitochondrial complex I deficiency, nuclear type 5. Also called: Mitochondrial complex 1 deficiency, nuclear type 5. Identifiers: MedGen C4748754, MONDO:0032610, OMIM 618226.

gnomAD v4.1: 2 of 1,613,978 alleles (0.00012%); highest among the groups gnomAD compares: Non-Finnish European, 0.00017%; no homozygotes.

Submission:

Victorian Clinical Genetics Services, Murdoch Childrens Research Institute
Classification: Uncertain significance for Mitochondrial complex I deficiency, nuclear type 5. Last evaluated: 2019-08-28. Review status: criteria provided, single submitter. Criteria: ACMG Guidelines, 2015. Collection method: clinical testing. Allele origin: germline. Inheritance: Autosomal recessive inheritance.
Comment: A heterozygous missense variant was identified, NM_005006.6(NDUFS1):c.134C>A in exon 3 of 19 of the NDUFS1 gene (NB: This variant is non-coding in alternative transcripts). This substitution is predicted to create a moderate amino acid change from proline to glutamine at position 45 of the protein, NP_004997.4(NDUFS1):p.(Pro45Gln). The proline at this position has very high conservation (100 vertebrates, UCSC), and is located within the 2Fe-2S iron-sulfur cluster binding domain. In silico software predictions of the pathogenicity of this variant are conflicting (Polyphen, SIFT, CADD, Mutation Taster). The variant is not present in the gnomAD population database, and has not been previously reported in clinical cases. Based on information available at the time of curation, this variant has been classified as a VARIANT of UNCERTAIN SIGNIFICANCE (VUS).

NM_005006.7(NDUFS1):c.134C>A (p.Pro45Gln)

Gene: NDUFS1 (NADH:ubiquinone oxidoreductase core subunit S1; minus strand). Cytogenetic location: 2q33.3.
Variant type: single nucleotide variant.
Coding change: c.134C>A on transcript NM_005006.7 (MANE Select); coding-DNA position 134, C replaced by A.
Protein change: p.Pro45Gln; replaces proline 45 with glutamine.
Molecular consequence: missense variant. On other transcripts: intron variant (2).
Genome position (GRCh38, 1-based): chr2:206,152,438, G>T on the plus strand (C>A on the coding strand, the complement: NDUFS1 is on the minus strand). VCF-style: chr2-206152438-G-T. GRCh37 (hg19) VCF-style: chr2-207017162-G-T.
Other names: c.134C>A, p.Pro45Gln (NM_001199981.2); c.176C>A, p.Pro59Gln (NM_001199984.2); c.5+1180C>A (NM_001199982.2); c.-19+1180C>A (NM_001199983.2); short protein forms P45Q, P59Q.
Identifiers: ClinVar variation 1806240 (VCV001806240.1), dbSNP rs777219558, ClinGen allele CA350064952.
Genomic context (GRCh38, chr2:206,152,438, plus strand): 5'-AATCAGAACACACACACAAAATAGTTAGAATGTATGCCTACTTGGAGGACGGTCGTTCCC[G>T]GTTCCACCATGACAGACTGACCATCAACAAATACTTCAATCAAGTTGCTTGCTGCTGTGG-3'
Protein context (NP_004997.4, residues 35-55): FVDGQSVMVE[Pro45Gln]GTTVLQACEK